The following is an entry in ClinVar:

NM_003070.5(SMARCA2):c.1692+7A>C

Gene: SMARCA2 (SWI/SNF related BAF chromatin remodeling complex subunit ATPase 2; plus strand). Cytogenetic location: 9p24.3.
Variant type: single nucleotide variant.
Coding change: c.1692+7A>C on transcript NM_003070.5 (MANE Select); 7 bases into the intron after coding-DNA position 1692, A replaced by C.
Molecular consequence: intron variant.
Genome position (GRCh38, 1-based): chr9:2,060,993, A>C. VCF-style: chr9-2060993-A-C. GRCh37 (hg19) VCF-style: chr9-2060993-A-C.
Other names: c.1692+7A>C (NM_139045.4, NM_001289397.2, NM_001289396.2).
Identifiers: ClinVar variation 3375181 (VCV003375181.1).
Genomic context (GRCh38, chr9:2,060,993, plus strand): 5'-CACAAGCAAGCCCAGGCAGCCAAAGAGAAGAAGAAGAGGAGGAGGAGGAAGAAGGTGCGT[A>C]TCCTAGTGGTGGTGGCTGAGTCCAGGGTGTATGGGCAGGGATAAGTTTTTAAGGCGAGTA-3'

ClinVar aggregate classification (germline): Uncertain significance (1 of 4 stars; one submission).

Submission:

Women's Health and Genetics/Laboratory Corporation of America, LabCorp
Classification: Uncertain significance. Last evaluated: 2024-09-26. Review status: criteria provided, single submitter. Criteria: LabCorp Variant Classification Summary - May 2015. Collection method: clinical testing. Allele origin: germline.
Comment: Variant summary: SMARCA2 c.1692+7A>C alters a non-conserved nucleotide located close to a canonical splice site and therefore could affect mRNA splicing, leading to a significantly altered protein sequence. Consensus agreement among computation tools predict no significant impact on normal splicing. However, these predictions have yet to be confirmed by functional studies. The variant was absent in 248352 control chromosomes. The available data on variant occurrences in the general population are insufficient to allow any conclusion about variant significance. To our knowledge, no occurrence of c.1692+7A>C in individuals affected with Nicolaides-Baraitser Syndrome and no experimental evidence demonstrating its impact on protein function have been reported. No submitters have cited clinical-significance assessments for this variant to ClinVar. Based on the evidence outlined above, the variant was classified as uncertain significance.